The following is an entry in ClinVar:

NM_000051.4(ATM):c.7157C>G (p.Ala2386Gly)

Genes: ATM (ATM serine/threonine kinase; plus strand), C11orf65 (chromosome 11 open reading frame 65; minus strand). Cytogenetic location: 11q22.3.
Variant type: single nucleotide variant.
Coding change: c.7157C>G on transcript NM_000051.4 (MANE Select); coding-DNA position 7157, C replaced by G.
Protein change: p.Ala2386Gly; replaces alanine 2386 with glycine.
Molecular consequence: missense variant. On other transcripts: intron variant (2).
Genome position (GRCh38, 1-based): chr11:108,329,088, C>G. VCF-style: chr11-108329088-C-G. GRCh37 (hg19) VCF-style: chr11-108199815-C-G.
Other names: c.7157C>G, p.Ala2386Gly (NM_001351834.2); c.641-20017G>C (NM_001330368.2); c.*38+6132G>C (NM_001351110.2); short protein forms A2386G.
Identifiers: ClinVar variation 407716 (VCV000407716.9), dbSNP rs786203697, ClinGen allele CA16613198.

ClinVar aggregate classification (germline): Uncertain significance (1 of 4 stars; one submission).

Conditions:
Ataxia-telangiectasia syndrome (AT). Also called: LOUIS-BAR SYNDROME; Cerebello-oculocutaneous telangiectasia; Immunodeficiency with ataxia telangiectasia; Ataxia-telangiectasia, complementation group D; AT, COMPLEMENTATION GROUP C; Ataxia-telangiectasia, complementation group E. Identifiers: Orphanet 100, MedGen C0004135, MONDO:0008840, OMIM 208900.

Submission:

Labcorp Genetics (formerly Invitae), Labcorp
Classification: Uncertain significance for Ataxia-telangiectasia syndrome. Last evaluated: 2016-11-28. Review status: criteria provided, single submitter. Criteria: Invitae Variant Classification Sherloc (09022015). Collection method: clinical testing. Allele origin: germline.
Comment: This sequence change replaces alanine with glycine at codon 2386 of the ATM protein (p.Ala2386Gly). The alanine residue is highly conserved and there is a small physicochemical difference between alanine and glycine. This variant is not present in population databases (ExAC no frequency) and has not been reported in the literature in individuals with an ATM-related disease. Algorithms developed to predict the effect of missense changes on protein structure and function (SIFT, PolyPhen-2, Align-GVGD) all suggest that this variant is likely to be disruptive, but these predictions have not been confirmed by published functional studies. In summary, this variant is a novel missense change with uncertain impact on protein function. It has been classified as a Variant of Uncertain Significance.